The following is an entry in ClinVar:

ClinVar aggregate classification (germline): Uncertain significance (1 of 4 stars; one submission).

gnomAD v4.1: 3 of 1,608,620 alleles (0.00019%); highest among the groups gnomAD compares: African/African-American, 0.004%; no homozygotes.

Submission:

Women's Health and Genetics/Laboratory Corporation of America, LabCorp
Classification: Uncertain significance. Last evaluated: 2026-04-06. Review status: criteria provided, single submitter. Criteria: LabCorp Variant Classification Summary - May 2015. Collection method: clinical testing. Allele origin: germline.
Comment: Variant summary: HRAS c.-9T>C is located in the untranslated mRNA region upstream of the initiation codon. The variant allele was found at a frequency of 4.1e-06 in 246712 control chromosomes. The available data on variant occurrences in the general population are insufficient to allow any conclusion about variant significance. To our knowledge, no occurrence of c.-9T>C in individuals affected with HRAS-related conditions and no experimental evidence demonstrating its impact on protein function have been reported. No submitters have cited clinical-significance assessments for this variant to ClinVar. Based on the evidence outlined above, the variant was classified as uncertain significance.

NM_005343.4(HRAS):c.-9T>C

Genes: HRAS (HRas proto-oncogene, GTPase; minus strand), LRRC56 (leucine rich repeat containing 56; plus strand). Cytogenetic location: 11p15.5.
Variant type: single nucleotide variant.
Coding change: c.-9T>C on transcript NM_005343.4 (MANE Select); 9 bases upstream of the start codon, T replaced by C.
Molecular consequence: 5 prime UTR variant. On other transcripts: intron variant (2).
Genome position (GRCh38, 1-based): chr11:534,331, A>G on the plus strand (T>C on the coding strand, the complement: HRAS is on the minus strand). VCF-style: chr11-534331-A-G. GRCh37 (hg19) VCF-style: chr11-534331-A-G.
Other names: c.-9T>C (NM_001130442.3, NM_176795.5); c.-328T>C (NM_001318054.2); c.-161-5249A>G (NM_001441284.1, NM_001441286.1).
Identifiers: ClinVar variation 4848876 (VCV004848876.1).